The following is an entry in ClinVar:

ClinVar aggregate classification (germline): Uncertain significance (1 of 4 stars; one submission).

Conditions:
Adams-Oliver syndrome 5 (AOS5). Identifiers: Orphanet 974, MedGen C4014970, MONDO:0014459, OMIM 616028.

Submission:

Labcorp Genetics (formerly Invitae), Labcorp
Classification: Uncertain significance for Adams-Oliver syndrome 5. Last evaluated: 2024-07-07. Review status: criteria provided, single submitter. Criteria: Invitae Variant Classification Sherloc (09022015). Collection method: clinical testing. Allele origin: germline.
Comment: This sequence change replaces isoleucine, which is neutral and non-polar, with leucine, which is neutral and non-polar, at codon 1675 of the NOTCH1 protein (p.Ile1675Leu). Information on the frequency of this variant in the gnomAD database is not available, as this variant may be reported differently in the database. This variant has not been reported in the literature in individuals affected with NOTCH1-related conditions. Experimental studies and prediction algorithms are not available or were not evaluated, and the functional significance of this variant is currently unknown. In summary, the available evidence is currently insufficient to determine the role of this variant in disease. Therefore, it has been classified as a Variant of Uncertain Significance.

NM_017617.5(NOTCH1):c.5022_5023delinsTC (p.Ile1675Leu)

Gene: NOTCH1 (notch receptor 1; minus strand). Cytogenetic location: 9q34.3.
Variant type: Indel.
Coding change: c.5022_5023delinsTC on transcript NM_017617.5 (MANE Select); coding-DNA positions 5022 to 5023, CA replaced by TC.
Protein change: p.Ile1675Leu; replaces isoleucine 1675 with leucine.
Molecular consequence: missense variant.
Genome position (GRCh38, 1-based): chr9:136,503,326-136,503,327, TG replaced by GA on the plus strand (CA replaced by TC on the coding strand, the reverse complement: NOTCH1 is on the minus strand). VCF-style: chr9-136503326-TG-GA. GRCh37 (hg19) VCF-style: chr9-139397778-TG-GA.
Other names: short protein forms I1675L.
Identifiers: ClinVar variation 3695329 (VCV003695329.2).